The following is an entry in ClinVar:

NM_000141.5(FGFR2):c.1546G>A (p.Val516Met)

Gene: FGFR2 (fibroblast growth factor receptor 2; minus strand). Cytogenetic location: 10q26.13.
Variant type: single nucleotide variant.
Coding change: c.1546G>A on transcript NM_000141.5 (MANE Select); coding-DNA position 1546, G replaced by A.
Protein change: p.Val516Met; replaces valine 516 with methionine.
Molecular consequence: missense variant. On other transcripts: non-coding transcript variant (1).
Genome position (GRCh38, 1-based): chr10:121,500,841, C>T on the plus strand (G>A on the coding strand, the complement: FGFR2 is on the minus strand). VCF-style: chr10-121500841-C-T. GRCh37 (hg19) VCF-style: chr10-123260355-C-T.
Other names: c.1549G>A, p.Val517Met (NM_001144913.1, NM_022970.4); c.1210G>A, p.Val404Met (NM_001144914.1); c.1279G>A, p.Val427Met (NM_001144915.2, NM_023029.3); c.1201G>A, p.Val401Met (NM_001144916.2, NM_001441090.1); c.1198G>A, p.Val400Met (NM_001144917.2); c.1195G>A, p.Val399Met (NM_001144918.2, NM_001441091.1); c.1282G>A, p.Val428Met (NM_001144919.2); c.862G>A, p.Val288Met (NM_001320654.2); and 4 more; short protein forms V401M, V425M, V515M, V404M, V514M, V399M, V516M, V517M.
Identifiers: ClinVar variation 5007628 (VCV005007628.2).

ClinVar aggregate classification (germline): Uncertain significance (1 of 4 stars; one submission).

Conditions:
Saethre-Chotzen syndrome (SCS). Also called: ACROCEPHALY, SKULL ASYMMETRY, AND MILD SYNDACTYLY; ACS III; CHOTZEN SYNDROME. Identifiers: Orphanet 794, MedGen C0175699, MONDO:0007042, OMIM 101400.
LADD syndrome 1 (LADD1). Also called: Lacrimoauriculodentodigital syndrome 1. Identifiers: MedGen C5774323, MONDO:0100302, OMIM 149730.
Beare-Stevenson cutis gyrata syndrome (BSTVS). Identifiers: Orphanet 1555, MedGen C1852406, MONDO:0007412, OMIM 123790.
Crouzon syndrome. Also called: Craniofacial dysostosis; Craniofacial dysostosis type 1; Crouzon craniofacial dysostosis; Crouzon disease; CRANIOFACIAL DYSOSTOSIS, TYPE I. Identifiers: Orphanet 207, MedGen C0010273, MeSH D003394, MONDO:0007405, OMIM 123500, HP:0004439.
Acrocephalosyndactyly type I (ACS1). Also called: Acrocephalo-syndactyly type 1; ACS 1; Syndactylic oxycephaly; Apert syndrome. Identifiers: Orphanet 87, MedGen C0001193, MONDO:0007041, OMIM 101200.
Gastric cancer. Also called: Stomach cancer; Malignant tumor of stomach. Identifiers: MedGen C0024623, MeSH D013274, MONDO:0001056, OMIM 613659, HP:0012126.
Bent bone dysplasia syndrome 1 (BBDS1). Also called: FGFR2-related bent bone dysplasia. Identifiers: Orphanet 313855, MedGen C3281247, MONDO:0013815, OMIM 614592.
Familial scaphocephaly syndrome, McGillivray type. Also called: SCAPHOCEPHALY, MAXILLARY RETRUSION, AND IMPAIRED INTELLECTUAL DEVELOPMENT. Identifiers: Orphanet 168624, MedGen C1865070, MONDO:0012307, OMIM 609579.
Antley-Bixler syndrome without genital anomalies or disordered steroidogenesis (ABS2). Also called: MULTISYNOSTOTIC OSTEODYSGENESIS WITH LONG BONE FRACTURES; Trapezoidocephaly synostosis syndrome; Osteodysgenesis, multisynostotic with fractures; Antley-Bixler Syndrome, Autosomal Dominant. Identifiers: Orphanet 596008, Orphanet 83, MedGen C2936791, MONDO:0020667, OMIM 207410.
Pfeiffer syndrome (ACS5). Also called: ACS V. Identifiers: Orphanet 710, MedGen C0220658, MONDO:0007043, OMIM 101600.
Jackson-Weiss syndrome (JWS). Also called: CRANIOSYNOSTOSIS, MIDFACIAL HYPOPLASIA, AND FOOT ABNORMALITIES. Identifiers: Orphanet 1540, MedGen C0795998, MONDO:0007400, OMIM 123150. Disease mechanism: loss of function.

Submission:

Juno Genomics, Hangzhou Juno Genomics, Inc
Classification: Uncertain significance for LADD syndrome 1; Familial scaphocephaly syndrome, McGillivray type; Antley-Bixler syndrome without genital anomalies or disordered steroidogenesis; Acrocephalosyndactyly type I; Beare-Stevenson cutis gyrata syndrome; Bent bone dysplasia syndrome 1; Pfeiffer syndrome; Crouzon syndrome; Gastric cancer; Jackson-Weiss syndrome; Saethre-Chotzen syndrome. Review status: criteria provided, single submitter. Criteria: ACMG Guidelines, 2015. Collection method: clinical testing. Allele origin: germline.
Comment: Absent from controls (or at extremely low frequency if recessive) in Genome Aggregation Database.;Missense variant in a gene that has a low rate of benign missense variation.;Multiple lines of computational evidence support a deleterious effect on the gene or gene product.